The following is an entry in ClinVar:

ClinVar aggregate classification (germline): Uncertain significance. Review status: criteria provided, multiple submitters, no conflicts (2 of 4 stars). 2 submissions from 2 submitters: Uncertain significance (2). Last evaluated 2025-10-23.

Conditions:
Glucocorticoid-remediable aldosteronism. Also called: ACTH-DEPENDENT HYPERALDOSTERONISM SYNDROME; ALDOSTERONISM, SENSITIVE TO DEXAMETHASONE; FH I; GLUCOCORTICOID-SUPPRESSIBLE HYPERALDOSTERONISM; Hyperaldosteronism, familial, type I. Identifiers: Orphanet 403, MedGen C3838731, MONDO:0007080, OMIM 103900.
Deficiency of steroid 11-beta-monooxygenase (CYP11B1). Also called: ADRENAL HYPERPLASIA, CONGENITAL, DUE TO STEROID 11-BETA-HYDROXYLASE DEFICIENCY; 11-BETA-HYDROXYLASE DEFICIENCY; P450C11B1 DEFICIENCY; STEROID 11-BETA-HYDROXYLASE DEFICIENCY; Congenital adrenal hyperplasia due to 11-beta-hydroxylase deficiency; ADRENAL HYPERPLASIA IV. Identifiers: Orphanet 90795, MedGen C0268292, MONDO:0008729, OMIM 202010. Disease mechanism: loss of function.

gnomAD v4.1: 4 of 1,614,146 alleles (0.00025%); highest among the groups gnomAD compares: Admixed American, 0.005%; no homozygotes.

Submissions (2):

Labcorp Genetics (formerly Invitae), Labcorp
Classification: Uncertain significance. Last evaluated: 2025-10-23. Review status: criteria provided, single submitter. Criteria: Invitae Variant Classification Sherloc (09022015). Collection method: clinical testing. Allele origin: germline.
Comment: This sequence change replaces alanine, which is neutral and non-polar, with aspartic acid, which is acidic and polar, at codon 415 of the CYP11B1 protein (p.Ala415Asp). This variant is not present in population databases (gnomAD no frequency). This variant has not been reported in the literature in individuals affected with CYP11B1-related conditions. ClinVar contains an entry for this variant (Variation ID: 3595296). Invitae Evidence Modeling of protein sequence and biophysical properties (such as structural, functional, and spatial information, amino acid conservation, physicochemical variation, residue mobility, and thermodynamic stability) indicates that this missense variant is not expected to disrupt CYP11B1 protein function with a negative predictive value of 95%. In summary, the available evidence is currently insufficient to determine the role of this variant in disease. Therefore, it has been classified as a Variant of Uncertain Significance.

Fulgent Genetics
Classification: Uncertain significance for Glucocorticoid-remediable aldosteronism; Deficiency of steroid 11-beta-monooxygenase. Last evaluated: 2024-04-29. Review status: criteria provided, single submitter. Criteria: ACMG Guidelines, 2015. Collection method: clinical testing. Allele origin: germline.

NM_000497.4(CYP11B1):c.1244C>A (p.Ala415Asp)

Genes: CYP11B1 (cytochrome P450 family 11 subfamily B member 1; minus strand), LOC106799833 (CYP11B1 recombination region; plus strand). Cytogenetic location: 8q24.3.
Variant type: single nucleotide variant.
Coding change: c.1244C>A on transcript NM_000497.4 (MANE Select); coding-DNA position 1244, C replaced by A.
Protein change: p.Ala415Asp; replaces alanine 415 with aspartic acid.
Molecular consequence: missense variant. On other transcripts: intron variant (1).
Genome position (GRCh38, 1-based): chr8:142,875,111, G>T on the plus strand (C>A on the coding strand, the complement: CYP11B1 is on the minus strand). VCF-style: chr8-142875111-G-T. GRCh37 (hg19) VCF-style: chr8-143956527-G-T.
Other names: c.1200+123C>A (NM_001026213.1); short protein forms A415D.
Identifiers: ClinVar variation 3595296 (VCV003595296.2).
Genomic context (GRCh38, chr8:142,875,111, plus strand): 5'-CCGGAGCCCCTGATGTCTAGCCAGCGCTGGGGGTTATAGCGCTCAGGCCTCGGGAACAAG[G>T]CGGGGTTGCGACCCAGAGAGTAGAGGAACACGCGCACCAATGTCTGCGGACGGTGCAGAG-3'
Protein context (NP_000488.3, residues 405-425): VFLYSLGRNP[Ala415Asp]LFPRPERYNP